The following is an entry in ClinVar:

ClinVar aggregate classification (germline): Benign/Likely benign. Review status: criteria provided, multiple submitters, no conflicts (2 of 4 stars). 3 submissions from 3 submitters: Benign (1); Likely benign (1). 1 of the submissions does not count toward it. Last evaluated 2026-01-25.

Conditions:
COG7 congenital disorder of glycosylation (CDG2E). Also called: CONGENITAL DISORDER OF GLYCOSYLATION, TYPE IIe; CDG IIe. Identifiers: Orphanet 79333, MedGen C2931010, MONDO:0012118, OMIM 608779.
COG7-related disorder. Also called: COG7-related condition.

Allele frequency attached by ClinVar (database versions not stated): gnomAD 0.00011 and 0.00013; 1000 Genomes Project 30x 0.00016; TOPMed 0.00018; 1000 Genomes Project 0.00020; ExAC 0.00022; gnomAD exomes 0.00029 and 0.00033; ESP Exome Variant Server 0.00031.
gnomAD v4.1: 490 of 1,614,088 alleles (0.03%); highest among the groups gnomAD compares: South Asian, 0.13%; 4 homozygotes.

Submissions (3):

Labcorp Genetics (formerly Invitae), Labcorp
Classification: Benign for COG7 congenital disorder of glycosylation. Last evaluated: 2026-01-25. Review status: criteria provided, single submitter. Criteria: Invitae Variant Classification Sherloc (09022015). Collection method: clinical testing. Allele origin: germline.

CeGaT Center for Human Genetics Tuebingen
Classification: Likely benign. Last evaluated: 2025-02-01. Review status: criteria provided, single submitter. Criteria: CeGaT Center For Human Genetics Tuebingen Variant Classification Criteria Version 2. Collection method: clinical testing. Allele origin: germline. Affected: yes. Observed: 2 variant alleles.
Comment: COG7: BP4, BP7

PreventionGenetics, part of Exact Sciences
Classification: Likely benign for COG7-related condition. Last evaluated: 2019-06-05. Review status: no assertion criteria provided. Collection method: clinical testing. Allele origin: germline. Not counted in ClinVar's aggregate classification.
Comment: This variant is classified as likely benign based on ACMG/AMP sequence variant interpretation guidelines (Richards et al. 2015 PMID: 25741868, with internal and published modifications).

NM_153603.4(COG7):c.525G>A (p.Val175=)

Gene: COG7 (component of oligomeric golgi complex 7; minus strand). Cytogenetic location: 16p12.2.
Variant type: single nucleotide variant.
Coding change: c.525G>A on transcript NM_153603.4 (MANE Select); coding-DNA position 525, G replaced by A.
Protein change: p.Val175=; no amino-acid change (valine 175 retained).
Molecular consequence: synonymous variant.
Genome position (GRCh38, 1-based): chr16:23,442,556, C>T on the plus strand (G>A on the coding strand, the complement: COG7 is on the minus strand). VCF-style: chr16-23442556-C-T. GRCh37 (hg19) VCF-style: chr16-23453877-C-T.
Other names: c.525G>A (NM_153603.3).
Identifiers: ClinVar variation 1629864 (VCV001629864.33), dbSNP rs144180834, ClinGen allele CA7961281.